The following is an entry in ClinVar:

ClinVar aggregate classification (germline): Uncertain significance (1 of 4 stars; one submission).

Conditions:
Autoinflammatory syndrome, familial, X-linked, Behcet-like 2. Also called: DEFICIENCY IN ELF4, X-LINKED. Identifiers: Orphanet 676125, MedGen C5575495, MONDO:0024770, OMIM 301074.

Submission:

Genetics and Molecular Pathology, SA Pathology
Classification: Uncertain significance for Autoinflammatory syndrome, familial, X-linked, Behcet-like 2. Last evaluated: 2023-04-11. Review status: criteria provided, single submitter. Criteria: ACMG Guidelines, 2015. Collection method: clinical testing. Allele origin: germline. Inheritance: X-linked recessive inheritance. Affected: yes.
Comment: The ELF4 c.668A>T variant is classified as VUS (PM1_supp, PM2) The ELF4 c.668A>T variant is a single nucleotide change in exon 7/9 of the ELF4 gene, which is predicted to change the amino acid asparagine at position 223 in the protein to isoleucine. This variant is absent from population databases (PM2). This variant is located in the ETS domain that is involved in DNA binding (PMID:27932483) (PM1_supp). It has not been reported in dbSNP, HGMD or ClinVar.

Literature cited by the submitters: PubMed 27932483.

NM_001421.4(ELF4):c.668A>T (p.Asn223Ile)

Gene: ELF4 (E74 like ETS transcription factor 4; minus strand). Cytogenetic location: Xq26.1.
Variant type: single nucleotide variant.
Coding change: c.668A>T on transcript NM_001421.4 (MANE Select); coding-DNA position 668, A replaced by T.
Protein change: p.Asn223Ile; replaces asparagine 223 with isoleucine.
Molecular consequence: missense variant.
Genome position (GRCh38, 1-based): chrX:130,071,181, T>A on the plus strand (A>T on the coding strand, the complement: ELF4 is on the minus strand). VCF-style: chrX-130071181-T-A. GRCh37 (hg19) VCF-style: chrX-129205156-T-A.
Other names: c.668A>T, p.Asn223Ile (NM_001127197.2); short protein forms N223I.
Identifiers: ClinVar variation 2664696 (VCV002664696.1), dbSNP rs2124614303, ClinGen allele CA414576000.
Genomic context (GRCh38, chrX:130,071,181, plus strand): 5'-TCCACCAGTTTGAAGATGCCTTTCTCTCGCTGGGTCCACTTGATGTACTTGGGACAGGTG[T>A]TTCTGTCTTGCAGAAGAGCCAGGAGGAACTCCCACAGATAGATGGTGCTGCCTGCAGAGG-3'
Protein context (NP_001412.1, residues 213-233): EFLLALLQDR[Asn223Ile]TCPKYIKWTQ